The following is an entry in ClinVar:

NM_001017995.3(SH3PXD2B):c.-79C>A

Gene: SH3PXD2B (SH3 and PX domains 2B; minus strand). Cytogenetic location: 5q35.1.
Variant type: single nucleotide variant.
Coding change: c.-79C>A on transcript NM_001017995.3 (MANE Select); 79 bases upstream of the start codon, C replaced by A.
Molecular consequence: 5 prime UTR variant.
Genome position (GRCh38, 1-based): chr5:172,454,431, G>T on the plus strand (C>A on the coding strand, the complement: SH3PXD2B is on the minus strand). VCF-style: chr5-172454431-G-T. GRCh37 (hg19) VCF-style: chr5-171881435-G-T.
Other names: c.-79C>A (NM_001308175.2).
Identifiers: ClinVar variation 352833 (VCV000352833.7), dbSNP rs372849248, ClinGen allele CA10624202.
Genomic context (GRCh38, chr5:172,454,431, plus strand): 5'-AGCGGGCCGAGCGCGGGTGCGGGTGGCGCGGGGTGCAGGGAGCGCTGGGGGCGCGCCGCC[G>T]CGGGCAGGGAACCTGGAGCTGAGCGCAATCGCAGCCGGGGCCGAGCACGAGCCGCCGCCG-3'

ClinVar aggregate classification (germline): Benign/Likely benign. Review status: criteria provided, multiple submitters, no conflicts (2 of 4 stars). 3 submissions from 3 submitters: Benign (1); Likely benign (2). Last evaluated 2019-01-10.

Conditions:
Frank-Ter Haar syndrome. Also called: BORRONE DERMATOCARDIOSKELETAL SYNDROME; TER HAAR SYNDROME; MELNICK-NEEDLES SYNDROME, AUTOSOMAL RECESSIVE; Borrone di Rocco Crovato syndrome. Identifiers: Orphanet 1266, Orphanet 137834, MedGen C1855305, MONDO:0009579, OMIM 249420.

Allele frequency attached by ClinVar (database versions not stated): gnomAD 0.01425 and 0.01507; 1000 Genomes Project 30x 0.01437; TOPMed 0.01466; 1000 Genomes Project 0.01857.
gnomAD v4.1: 5,116 of 907,918 alleles (0.56%); highest among the groups gnomAD compares: African/African-American, 4%; 62 homozygotes.

Submissions (3):

GeneDx
Classification: Likely benign. Last evaluated: 2019-01-10. Review status: criteria provided, single submitter. Criteria: GeneDx Variant Classification Process June 2021. Collection method: clinical testing. Allele origin: germline. Affected: yes.

Illumina Laboratory Services, Illumina
Classification: Benign for Frank-Ter Haar syndrome. Last evaluated: 2018-01-13. Review status: criteria provided, single submitter. Criteria: ICSL Variant Classification Criteria 13 December 2019. Collection method: clinical testing. Allele origin: germline.
Comment: This variant was observed in the ICSL laboratory as part of a predisposition screen in an ostensibly healthy population. It had not been previously curated by ICSL or reported in the Human Gene Mutation Database (HGMD: prior to June 1st, 2018), and was therefore a candidate for classification through an automated scoring system. Utilizing variant allele frequency, disease prevalence and penetrance estimates, and inheritance mode, an automated score was calculated to assess if this variant is too frequent to cause the disease. Based on the score and internal cut-off values, a variant classified as benign is not then subjected to further curation. The score for this variant resulted in a classification of benign for this disease.

Breakthrough Genomics
Classification: Likely benign. Review status: criteria provided, single submitter. Criteria: ACMG Guidelines, 2015. Collection method: not provided. Allele origin: germline. Inheritance: Autosomal recessive inheritance. Affected: yes.